The following is an entry in ClinVar:

ClinVar aggregate classification (germline): Conflicting classifications of pathogenicity. Review status: criteria provided, conflicting classifications (1 of 4 stars). 4 submissions from 4 submitters: Uncertain significance (1); Likely benign (3). Last evaluated 2025-10-22.

Conditions:
Inborn genetic diseases. Identifiers: MedGen C0950123, MeSH D030342.

Allele frequency attached by ClinVar (database versions not stated): gnomAD 0.00027; TOPMed 0.00028; 1000 Genomes Project 30x 0.00031; ExAC 0.00108.
gnomAD v4.1: 83 of 1,445,420 alleles (0.0057%); highest among the groups gnomAD compares: African/African-American, 0.093%; 1 homozygote.

Submissions (4):

Ambry Genetics
Classification: Uncertain significance for Inborn genetic diseases. Last evaluated: 2025-10-22. Review status: criteria provided, single submitter. Criteria: Ambry Variant Classification Scheme 2023. Collection method: clinical testing. Allele origin: germline.
Comment: The c.40C>T (p.P14S) alteration is located in exon 1 (coding exon 1) of the FLVCR1 gene. This alteration results from a C to T substitution at nucleotide position 40, causing the proline (P) at amino acid position 14 to be replaced by a serine (S). Based on data from gnomAD, the T allele has an overall frequency of 0.014% (13/91362) total alleles studied. The highest observed frequency was 0.091% (13/14352) of African alleles. Based on insufficient or conflicting evidence, the clinical significance of this alteration remains unclear.

Athena Diagnostics
Classification: Likely benign. Last evaluated: 2025-07-23. Review status: criteria provided, single submitter. Criteria: Athena Diagnostics Criteria. Collection method: clinical testing. Allele origin: unknown.
Comment: The frequency of this variant in the general population is higher than would generally be expected for pathogenic variants in this gene. Computational tools predict this amino acid change may be benign.

Labcorp Genetics (formerly Invitae), Labcorp
Classification: Likely benign. Last evaluated: 2025-05-15. Review status: criteria provided, single submitter. Criteria: Invitae Variant Classification Sherloc (09022015). Collection method: clinical testing. Allele origin: germline.

Blueprint Genetics
Classification: Likely benign. Last evaluated: 2024-06-19. Review status: criteria provided, single submitter. Criteria: ACMG Guidelines, 2015. Collection method: clinical testing. Allele origin: germline.

NM_014053.4(FLVCR1):c.40C>T (p.Pro14Ser)

Gene: FLVCR1 (FLVCR choline and heme transporter 1; plus strand). Cytogenetic location: 1q32.3.
Variant type: single nucleotide variant.
Coding change: c.40C>T on transcript NM_014053.4 (MANE Select); coding-DNA position 40, C replaced by T.
Protein change: p.Pro14Ser; replaces proline 14 with serine.
Molecular consequence: missense variant.
Genome position (GRCh38, 1-based): chr1:212,858,492, C>T. VCF-style: chr1-212858492-C-T. GRCh37 (hg19) VCF-style: chr1-213031834-C-T.
Other names: c.40C>T (NM_014053.2); short protein forms P14S.
Identifiers: ClinVar variation 835909 (VCV000835909.10), dbSNP rs111734301, ClinGen allele CA1385826.
Genomic context (GRCh38, chr1:212,858,492, plus strand): 5'-TGGCGCCGGGGAGCCTGGGATATGGCGCGGCCAGACGATGAGGAGGGGGCGGCGGTGGCG[C>T]CCGGACACCCGCTCGCGAAAGGATACCTCCCGTTGCCGAGGGGCGCGCCCGTTGGGAAGG-3'
Protein context (NP_054772.1, residues 4-24): PDDEEGAAVA[Pro14Ser]GHPLAKGYLP